The following is an entry in ClinVar:

NM_014425.5(INVS):c.2278T>G (p.Ser760Ala)

Gene: INVS (inversin; plus strand). Cytogenetic location: 9q31.1.
Variant type: single nucleotide variant.
Coding change: c.2278T>G on transcript NM_014425.5 (MANE Select); coding-DNA position 2278, T replaced by G.
Protein change: p.Ser760Ala; replaces serine 760 with alanine.
Molecular consequence: missense variant. On other transcripts: non-coding transcript variant (1).
Genome position (GRCh38, 1-based): chr9:100,292,535, T>G. VCF-style: chr9-100292535-T-G. GRCh37 (hg19) VCF-style: chr9-103054817-T-G.
Other names: c.1990T>G, p.Ser664Ala (NM_001318381.2); c.1300T>G, p.Ser434Ala (NM_001318382.2); c.2278T>G (NM_014425.2, NM_014425.4); short protein forms S760A, S434A, S664A.
Identifiers: ClinVar variation 593341 (VCV000593341.61), dbSNP rs146901872, ClinGen allele CA5158591.

ClinVar aggregate classification (germline): Conflicting classifications of pathogenicity. Review status: criteria provided, conflicting classifications (1 of 4 stars). 9 submissions from 9 submitters: Uncertain significance (5); Benign (1); Likely benign (2). 1 of the submissions does not count toward it. Last evaluated 2026-01-03.

Conditions:
Nephronophthisis. Also called: Juvenile Nephronophthisis. Identifiers: Orphanet 655, MedGen C0687120, MONDO:0019005, HP:0000090.
Infantile nephronophthisis (NPHP2). Also called: Nephronophthisis 2, infantile; Nephronophthisis 2. Identifiers: Orphanet 655, Orphanet 93591, MedGen C1865872, MONDO:0011190, OMIM 602088.
INVS-related disorder. Also called: INVS-related condition.
Inborn genetic diseases. Identifiers: MedGen C0950123, MeSH D030342.

Allele frequency attached by ClinVar (database versions not stated): ESP Exome Variant Server 0.00015; gnomAD exomes 0.00021 and 0.00038; TOPMed 0.00026; gnomAD 0.00031 and 0.00032; ExAC 0.00033.
gnomAD v4.1: 359 of 1,613,974 alleles (0.022%); highest among the groups gnomAD compares: Non-Finnish European, 0.014%; 1 homozygote.

Submissions (9):

Labcorp Genetics (formerly Invitae), Labcorp
Classification: Likely benign for Nephronophthisis. Last evaluated: 2026-01-03. Review status: criteria provided, single submitter. Criteria: Invitae Variant Classification Sherloc (09022015). Collection method: clinical testing. Allele origin: germline.

GeneDx
Classification: Uncertain significance. Last evaluated: 2025-05-08. Review status: criteria provided, single submitter. Criteria: GeneDx Variant Classification Process June 2021. Collection method: clinical testing. Allele origin: germline. Affected: yes.
Comment: In silico analysis suggests that this missense variant does not alter protein structure/function; Has not been previously published as pathogenic or benign to our knowledge

Blueprint Genetics
Classification: Benign. Last evaluated: 2024-11-07. Review status: criteria provided, single submitter. Criteria: ACMG Guidelines, 2015. Collection method: clinical testing. Allele origin: germline.

Fulgent Genetics
Classification: Likely benign for Infantile nephronophthisis. Last evaluated: 2024-05-11. Review status: criteria provided, single submitter. Criteria: ACMG Guidelines, 2015. Collection method: clinical testing. Allele origin: germline.

Ambry Genetics
Classification: Uncertain significance for Inborn genetic diseases. Last evaluated: 2022-12-06. Review status: criteria provided, single submitter. Criteria: Ambry Variant Classification Scheme 2023. Collection method: clinical testing. Allele origin: germline.

CeGaT Center for Human Genetics Tuebingen
Classification: Uncertain significance. Last evaluated: 2020-12-01. Review status: criteria provided, single submitter. Criteria: CeGaT Center For Human Genetics Tuebingen Variant Classification Criteria Version 2. Collection method: clinical testing. Allele origin: germline. Affected: yes. Observed: 1 variant allele.

Eurofins Ntd Llc (ga)
Classification: Uncertain significance. Last evaluated: 2018-02-01. Review status: criteria provided, single submitter. Criteria: EGL Classification Definitions 2015. Collection method: clinical testing. Allele origin: germline. Observed: 2 variant alleles, 2 heterozygotes.

Illumina Laboratory Services, Illumina
Classification: Uncertain significance for Infantile nephronophthisis. Last evaluated: 2018-01-12. Review status: criteria provided, single submitter. Criteria: ICSL Variant Classification Criteria 13 December 2019. Collection method: clinical testing. Allele origin: germline.

PreventionGenetics, part of Exact Sciences
Classification: Likely benign for INVS-related condition. Last evaluated: 2021-04-20. Review status: no assertion criteria provided. Collection method: clinical testing. Allele origin: germline. Not counted in ClinVar's aggregate classification.
Comment: This variant is classified as likely benign based on ACMG/AMP sequence variant interpretation guidelines (Richards et al. 2015 PMID: 25741868, with internal and published modifications).